The following is an entry in ClinVar:

ClinVar aggregate classification (germline): Likely benign (0 of 4 stars; one submission).

Conditions:
ANXA11-related disorder. Also called: ANXA11-related condition.

gnomAD v4.1: 2 of 1,612,128 alleles (0.00012%); highest among the groups gnomAD compares: East Asian, 0.0045%; no homozygotes.

Submission:

PreventionGenetics, part of Exact Sciences
Classification: Likely benign for ANXA11-related condition. Last evaluated: 2023-05-30. Review status: no assertion criteria provided. Collection method: clinical testing. Allele origin: germline.
Comment: This variant is classified as likely benign based on ACMG/AMP sequence variant interpretation guidelines (Richards et al. 2015 PMID: 25741868, with internal and published modifications).

NM_145868.2(ANXA11):c.1114C>T (p.Leu372=)

Gene: ANXA11 (annexin A11; minus strand). Cytogenetic location: 10q22.3.
Variant type: single nucleotide variant.
Coding change: c.1114C>T on transcript NM_145868.2 (MANE Select); coding-DNA position 1114, C replaced by T.
Protein change: p.Leu372=; no amino-acid change (leucine 372 retained).
Molecular consequence: synonymous variant.
Genome position (GRCh38, 1-based): chr10:80,162,001, G>A on the plus strand (C>T on the coding strand, the complement: ANXA11 is on the minus strand). VCF-style: chr10-80162001-G-A. GRCh37 (hg19) VCF-style: chr10-81921757-G-A.
Other names: c.1114C>T, p.Leu372= (NM_001157.3, NM_001278407.2, NM_001278408.2 and 1 more transcripts); c.1015C>T, p.Leu339= (NM_001278409.2).
Identifiers: ClinVar variation 3350973 (VCV003350973.1).
Genomic context (GRCh38, chr10:80,162,001, plus strand): 5'-CCAGGTGGGCCCGGCTCCGGGAGCACAGAACCGCATTGAACTTGGACTCGTCTGTTCCCA[G>A]GCGGTTCTCCCCGGCCGCATACAGCTCCTGGAGAGAGAGGAAGACGCACATGTGGCACAG-3'
Protein context (NP_665875.1, residues 362-382): QELYAAGENR[Leu372=]GTDESKFNAV